The following is an entry in ClinVar:

ClinVar aggregate classification (germline): Uncertain significance (1 of 4 stars; one submission).

Submission:

GeneDx
Classification: Uncertain significance. Last evaluated: 2026-03-06. Review status: criteria provided, single submitter. Criteria: GeneDx Variant Classification Process June 2021. Collection method: clinical testing. Allele origin: germline.
Comment: Not observed at significant frequency in large population cohorts (gnomAD); In silico analysis supports that this missense variant has a deleterious effect on protein structure/function; Has not been previously published as pathogenic or benign to our knowledge

NM_002281.4(KRT81):c.802G>T (p.Asp268Tyr)

Genes: KRT81 (keratin 81; minus strand), KRT86 (keratin 86; plus strand). Cytogenetic location: 12q13.13.
Variant type: single nucleotide variant.
Coding change: c.802G>T on transcript NM_002281.4 (MANE Select); coding-DNA position 802, G replaced by T.
Protein change: p.Asp268Tyr; replaces aspartic acid 268 with tyrosine.
Molecular consequence: missense variant. On other transcripts: intron variant (1).
Genome position (GRCh38, 1-based): chr12:52,288,082, C>A on the plus strand (G>T on the coding strand, the complement: KRT81 is on the minus strand). VCF-style: chr12-52288082-C-A. GRCh37 (hg19) VCF-style: chr12-52681866-C-A.
Other names: c.-5+12136C>A (NM_001320198.2); short protein forms D268Y.
Identifiers: ClinVar variation 5009719 (VCV005009719.1).